The following is an entry in ClinVar:

NM_025137.4(SPG11):c.6719G>A (p.Arg2240His)

Gene: SPG11 (SPG11 vesicle trafficking associated, spatacsin; minus strand). Cytogenetic location: 15q21.1.
Variant type: single nucleotide variant.
Coding change: c.6719G>A on transcript NM_025137.4 (MANE Select); coding-DNA position 6719, G replaced by A.
Protein change: p.Arg2240His; replaces arginine 2240 with histidine.
Molecular consequence: missense variant.
Genome position (GRCh38, 1-based): chr15:44,567,459, C>T on the plus strand (G>A on the coding strand, the complement: SPG11 is on the minus strand). VCF-style: chr15-44567459-C-T. GRCh37 (hg19) VCF-style: chr15-44859657-C-T.
Other names: c.6380G>A, p.Arg2127His (NM_001160227.2); short protein forms R2127H, R2240H.
Identifiers: ClinVar variation 644914 (VCV000644914.14), dbSNP rs766384717, ClinGen allele CA7534036.

ClinVar aggregate classification (germline): Uncertain significance. Review status: criteria provided, multiple submitters, no conflicts (2 of 4 stars). 8 submissions from 6 submitters: Uncertain significance (8). Last evaluated 2026-02-01.

Conditions:
Hereditary spastic paraplegia 11. Also called: SPASTIC PARAPLEGIA, AUTOSOMAL RECESSIVE, COMPLICATED, WITH THIN CORPUS CALLOSUM; SPASTIC PARAPLEGIA, AUTOSOMAL RECESSIVE, WITH MENTAL IMPAIRMENT AND THIN CORPUS CALLOSUM; Spastic Paraplegia 11; Spastic paraplegia, mental retardation and thin corpus callosum; Nakamura Osame syndrome; Autosomal recessive hereditary spastic paraplegia, mental impairment, and thin corpus callosum. Identifiers: Orphanet 2822, MedGen C1858479, MONDO:0011445, OMIM 604360.
Inborn genetic diseases. Identifiers: MedGen C0950123, MeSH D030342.
Charcot-Marie-Tooth disease axonal type 2X. Also called: CHARCOT-MARIE-TOOTH DISEASE, AXONAL, AUTOSOMAL RECESSIVE, TYPE 2X; CHARCOT-MARIE-TOOTH NEUROPATHY, TYPE 2X. Identifiers: Orphanet 466775, MedGen C5569024, MONDO:0014726, OMIM 616668.
Amyotrophic lateral sclerosis type 5 (ALS5). Also called: AMYOTROPHIC LATERAL SCLEROSIS 5, JUVENILE. Identifiers: Orphanet 300605, MedGen C1865864, MONDO:0011196, OMIM 602099.

Allele frequency attached by ClinVar (database versions not stated): ExAC 0.00002; gnomAD 0.00002 and 0.00003; gnomAD exomes 0.00003; TOPMed 0.00003.
gnomAD v4.1: 33 of 1,613,884 alleles (0.002%); highest among the groups gnomAD compares: East Asian, 0.0022%; no homozygotes.

Submissions (8):

CeGaT Center for Human Genetics Tuebingen
Classification: Uncertain significance. Last evaluated: 2026-02-01. Review status: criteria provided, single submitter. Criteria: CeGaT Center For Human Genetics Tuebingen Variant Classification Criteria Version 2. Collection method: clinical testing. Allele origin: germline. Affected: yes. Observed: 1 variant allele.
Comment: SPG11: PM2, BP4

Clinical Genomics Laboratory, Washington University in St. Louis
Classification: Uncertain significance for Hereditary spastic paraplegia 11. Last evaluated: 2025-11-07. Review status: criteria provided, single submitter. Criteria: ACMG Guidelines, 2015. Collection method: clinical testing. Allele origin: germline.
Comment: The SPG11 c.6719G>A (p.Arg2240His) variant, to our knowledge, has not been reported in the medical literature. This variant has been reported in the ClinVar database as a germline variant of uncertain significance by six submitters. This variant is only observed in 8/282,796 alleles in the general population (gnomAD v.2.1.1), indicating it is not a common variant. Computational predictors suggest that the variant does not impact SPG11 function. Due to limited information, and based on ACMG/AMP guidelines for variant interpretation (Richards S et al., PMID: 25741868), the clinical significance of this variant is uncertain at this time.

Labcorp Genetics (formerly Invitae), Labcorp
Classification: Uncertain significance for Hereditary spastic paraplegia 11. Last evaluated: 2022-08-10. Review status: criteria provided, single submitter. Criteria: Invitae Variant Classification Sherloc (09022015). Collection method: clinical testing. Allele origin: germline.
Comment: This sequence change replaces arginine, which is basic and polar, with histidine, which is basic and polar, at codon 2240 of the SPG11 protein (p.Arg2240His). This variant is present in population databases (rs766384717, gnomAD 0.006%). This variant has not been reported in the literature in individuals affected with SPG11-related conditions. ClinVar contains an entry for this variant (Variation ID: 644914). Algorithms developed to predict the effect of missense changes on protein structure and function (SIFT, PolyPhen-2, Align-GVGD) all suggest that this variant is likely to be tolerated. In summary, the available evidence is currently insufficient to determine the role of this variant in disease. Therefore, it has been classified as a Variant of Uncertain Significance.

Ambry Genetics
Classification: Uncertain significance for Inborn genetic diseases. Last evaluated: 2022-06-10. Review status: criteria provided, single submitter. Criteria: Ambry Variant Classification Scheme 2023. Collection method: clinical testing. Allele origin: germline.
Comment: The p.R2240H variant (also known as c.6719G>A), located in coding exon 36 of the SPG11 gene, results from a G to A substitution at nucleotide position 6719. The arginine at codon 2240 is replaced by histidine, an amino acid with highly similar properties. This amino acid position is conserved. In addition, this alteration is predicted to be tolerated by in silico analysis. Since supporting evidence is limited at this time, the clinical significance of this alteration remains unclear.

Athena Diagnostics
Classification: Uncertain significance. Last evaluated: 2018-08-27. Review status: criteria provided, single submitter. Criteria: Athena Diagnostics Criteria. Collection method: clinical testing. Allele origin: germline.

Genome-Nilou Lab
Classification: Uncertain significance for Amyotrophic lateral sclerosis type 5. Review status: criteria provided, single submitter. Criteria: ACMG Guidelines, 2015. Collection method: clinical testing. Allele origin: germline.

Genome-Nilou Lab
Classification: Uncertain significance for Charcot-Marie-Tooth disease axonal type 2X. Review status: criteria provided, single submitter. Criteria: ACMG Guidelines, 2015. Collection method: clinical testing. Allele origin: germline.

Genome-Nilou Lab
Classification: Uncertain significance for Hereditary spastic paraplegia 11. Review status: criteria provided, single submitter. Criteria: ACMG Guidelines, 2015. Collection method: clinical testing. Allele origin: germline.